The following is an entry in ClinVar:

NM_000170.3(GLDC):c.2324A>C (p.His775Pro)

Gene: GLDC (glycine decarboxylase; minus strand). Cytogenetic location: 9p24.1.
Variant type: single nucleotide variant.
Coding change: c.2324A>C on transcript NM_000170.3 (MANE Select); coding-DNA position 2324, A replaced by C.
Protein change: p.His775Pro; replaces histidine 775 with proline.
Molecular consequence: missense variant.
Genome position (GRCh38, 1-based): chr9:6,553,501, T>G on the plus strand (A>C on the coding strand, the complement: GLDC is on the minus strand). VCF-style: chr9-6553501-T-G. GRCh37 (hg19) VCF-style: chr9-6553501-T-G.
Other names: short protein forms H775P.
Identifiers: ClinVar variation 4068698 (VCV004068698.2).

ClinVar aggregate classification (germline): Likely pathogenic (1 of 4 stars; one submission).

Conditions:
Glycine encephalopathy. Also called: Nonketotic hyperglycinemia; Non-ketotic hyperglycinemia. Identifiers: Orphanet 407, MedGen C0751748, MONDO:0011612, HP:0008288.

Submission:

Natera, Inc.
Classification: Likely pathogenic for Non-ketotic hyperglycinemia. Last evaluated: 2025-02-26. Review status: criteria provided, single submitter. Criteria: Natera Variant Classification Schema (03/2026). Collection method: clinical testing. Allele origin: germline.
Comment: The c.2324A>C variant in GLDC is a missense variant predicted to cause substitution of histidine to proline at amino acid 775. This variant is rare in the general population with a frequency below the threshold expected for the associated phenotype(s). This variant has been observed in one or more individuals affected with the associated recessive disease, as either homozygous or compound heterozygous with a second variant (PMID: 27362913). Computational prediction algorithms indicate this variant is likely to affect gene or protein function. Given the available evidence, this variant is classified as Likely Pathogenic.

Literature cited by the submitters: PubMed 27362913.